The following is an entry in ClinVar:

NM_006796.3(AFG3L2):c.965A>G (p.Glu322Gly)

Gene: AFG3L2 (AFG3 like matrix AAA peptidase subunit 2; minus strand). Cytogenetic location: 18p11.21.
Variant type: single nucleotide variant.
Coding change: c.965A>G on transcript NM_006796.3 (MANE Select); coding-DNA position 965, A replaced by G.
Protein change: p.Glu322Gly; replaces glutamic acid 322 with glycine.
Molecular consequence: missense variant.
Genome position (GRCh38, 1-based): chr18:12,358,731, T>C on the plus strand (A>G on the coding strand, the complement: AFG3L2 is on the minus strand). VCF-style: chr18-12358731-T-C. GRCh37 (hg19) VCF-style: chr18-12358730-T-C.
Other names: short protein forms E322G.
Identifiers: ClinVar variation 3393353 (VCV003393353.1).

ClinVar aggregate classification (germline): Uncertain significance (1 of 4 stars; one submission).

Conditions:
Optic atrophy 12. Also called: Optic Atrophy Type 12 (OPA12). Identifiers: MedGen C5436534, MONDO:0033549, OMIM 618977.

Submission:

Institute of Human Genetics, University of Goettingen
Classification: Uncertain significance for Optic atrophy 12. Last evaluated: 2025-01-02. Review status: criteria provided, single submitter. Criteria: ACMG Guidelines, 2015. Collection method: clinical testing. Allele origin: germline. Inheritance: Autosomal dominant inheritance. Affected: yes. Observed: 1 heterozygote.
Comment: PM2_sup:Extremely low frequency in gnomAD population databases PP3:For a missense or a splicing region variant, computational prediction tools unanimously support a deleterious effect on the gene PM5_sup:Different amino acid change as a known pathogenic variant